The following is an entry in ClinVar:

ClinVar aggregate classification (germline): Uncertain significance. Review status: criteria provided, multiple submitters, no conflicts (2 of 4 stars). 2 submissions from 2 submitters: Uncertain significance (2). Last evaluated 2025-04-24.

Conditions:
Inborn genetic diseases. Identifiers: MedGen C0950123, MeSH D030342.

Allele frequency attached by ClinVar (database versions not stated): TOPMed 0.00002; gnomAD exomes 0.00002 and 0.00001; gnomAD 0.00001; ESP Exome Variant Server 0.00008.
gnomAD v4.1: 24 of 1,612,918 alleles (0.0015%); highest among the groups gnomAD compares: South Asian, 0.0022%; no homozygotes.

Submissions (2):

Ambry Genetics
Classification: Uncertain significance for Inborn genetic diseases. Last evaluated: 2025-04-24. Review status: criteria provided, single submitter. Criteria: Ambry Variant Classification Scheme 2023. Collection method: clinical testing. Allele origin: germline.

Labcorp Genetics (formerly Invitae), Labcorp
Classification: Uncertain significance. Last evaluated: 2021-05-17. Review status: criteria provided, single submitter. Criteria: Invitae Variant Classification Sherloc (09022015). Collection method: clinical testing. Allele origin: germline.
Comment: This sequence change replaces aspartic acid with glutamic acid at codon 178 of the CCBE1 protein (p.Asp178Glu). The aspartic acid residue is moderately conserved and there is a small physicochemical difference between aspartic acid and glutamic acid. This variant is not present in population databases (ExAC no frequency). This variant has not been reported in the literature in individuals with CCBE1-related conditions. Algorithms developed to predict the effect of missense changes on protein structure and function are either unavailable or do not agree on the potential impact of this missense change (SIFT: "Tolerated"; PolyPhen-2: "Possibly Damaging"; Align-GVGD: "Class C0"). In summary, the available evidence is currently insufficient to determine the role of this variant in disease. Therefore, it has been classified as a Variant of Uncertain Significance.

NM_133459.4(CCBE1):c.534C>A (p.Asp178Glu)

Gene: CCBE1 (collagen and calcium binding EGF domains 1; minus strand). Cytogenetic location: 18q21.32.
Variant type: single nucleotide variant.
Coding change: c.534C>A on transcript NM_133459.4 (MANE Select); coding-DNA position 534, C replaced by A.
Protein change: p.Asp178Glu; replaces aspartic acid 178 with glutamic acid.
Molecular consequence: missense variant.
Genome position (GRCh38, 1-based): chr18:59,466,758, G>T on the plus strand (C>A on the coding strand, the complement: CCBE1 is on the minus strand). VCF-style: chr18-59466758-G-T. GRCh37 (hg19) VCF-style: chr18-57133990-G-T.
Other names: c.534C>A (NM_133459.3); short protein forms D178E.
Identifiers: ClinVar variation 1431944 (VCV001431944.8), dbSNP rs146639693, ClinGen allele CA301047544.
Genomic context (GRCh38, chr18:59,466,758, plus strand): 5'-AAATATGTAATTAGGGAGATATTTAGACTTGCCCTACTTACCAGTGTCATTGGGATATTT[G>T]TCTCCCCTGGTACATGTCTTCCCATCATCTTCCCGGATGTAGCCTTCCCGGCACTCGCAG-3'
Protein context (NP_597716.1, residues 168-188): EDDGKTCTRG[Asp178Glu]KYPNDTGHEK